The following is an entry in ClinVar:

NM_031308.4(EPPK1):c.6241C>G (p.Leu2081Val)

Gene: EPPK1 (epiplakin 1; minus strand). Cytogenetic location: 8q24.3.
Variant type: single nucleotide variant.
Coding change: c.6241C>G on transcript NM_031308.4 (MANE Select); coding-DNA position 6241, C replaced by G.
Protein change: p.Leu2081Val; replaces leucine 2081 with valine.
Molecular consequence: missense variant.
Genome position (GRCh38, 1-based): chr8:143,867,013, G>C on the plus strand (C>G on the coding strand, the complement: EPPK1 is on the minus strand). VCF-style: chr8-143867013-G-C. GRCh37 (hg19) VCF-style: chr8-144941181-G-C.
Other names: short protein forms L2081V.
Identifiers: ClinVar variation 3034913 (VCV003034913.2), dbSNP rs7839934, ClinGen allele CA4921851.

ClinVar aggregate classification (germline): Benign (0 of 4 stars; one submission).

Conditions:
EPPK1-related disorder. Also called: EPPK1-related condition.

Allele frequency attached by ClinVar (database versions not stated): ESP Exome Variant Server 0.24451; TOPMed 0.26129; ExAC 0.26926; 1000 Genomes Project 30x 0.28404; 1000 Genomes Project 0.28594.
gnomAD v4.1: 418,834 of 1,612,534 alleles (26%); highest among the groups gnomAD compares: South Asian, 40%; 56,746 homozygotes.

Submission:

PreventionGenetics, part of Exact Sciences
Classification: Benign for EPPK1-related condition. Last evaluated: 2022-08-09. Review status: no assertion criteria provided. Collection method: clinical testing. Allele origin: germline.
Comment: This variant is classified as benign based on ACMG/AMP sequence variant interpretation guidelines (Richards et al. 2015 PMID: 25741868, with internal and published modifications).